The following is an entry in ClinVar:

ClinVar aggregate classification (germline): Benign (1 of 4 stars; one submission).

Allele frequency attached by ClinVar (database versions not stated): gnomAD exomes 0.00544; 1000 Genomes Project 0.01897; gnomAD 0.01945 and 0.02068; 1000 Genomes Project 30x 0.02092; TOPMed 0.02217.
gnomAD v4.1: 9,998 of 1,411,450 alleles (0.71%); highest among the groups gnomAD compares: African/African-American, 5.9%; 149 homozygotes.

Submission:

GeneDx
Classification: Benign. Last evaluated: 2018-06-14. Review status: criteria provided, single submitter. Criteria: GeneDx Variant Classification (06012015). Collection method: clinical testing. Allele origin: germline. Affected: yes.
Comment: This variant is considered likely benign or benign based on one or more of the following criteria: it is a conservative change, it occurs at a poorly conserved position in the protein, it is predicted to be benign by multiple in silico algorithms, and/or has population frequency not consistent with disease.

NM_007078.3(LDB3):c.1232-100G>A

Gene: LDB3 (LIM domain binding 3; plus strand). Cytogenetic location: 10q23.2.
Variant type: single nucleotide variant.
Coding change: c.1232-100G>A on transcript NM_007078.3 (MANE Select); 100 bases into the intron before coding-DNA position 1232, G replaced by A.
Molecular consequence: intron variant.
Genome position (GRCh38, 1-based): chr10:86,716,227, G>A. VCF-style: chr10-86716227-G-A. GRCh37 (hg19) VCF-style: chr10-88475984-G-A.
Other names: c.1043-100G>A (NM_001368064.1, NM_001368065.1); c.1247-100G>A (NM_001171610.2); c.1091-100G>A (NM_001368066.1); c.902-100G>A (NM_001080114.2).
Identifiers: ClinVar variation 674344 (VCV000674344.1), dbSNP rs114915313, ClinGen allele CA211204705.